The following is an entry in ClinVar:

ClinVar aggregate classification (germline): Pathogenic (1 of 4 stars; one submission).

Conditions:
Hereditary diffuse gastric adenocarcinoma (HDGC). Also called: DIFFUSE GASTRIC AND LOBULAR BREAST CANCER SYNDROME. Identifiers: Orphanet 26106, MedGen C1708349, MONDO:0007648, OMIM 137215.

Submission:

Myriad Genetics, Inc.
Classification: Pathogenic for Hereditary diffuse gastric adenocarcinoma. Last evaluated: 2023-06-12. Review status: criteria provided, single submitter. Criteria: Myriad Autosomal Dominant, Autosomal Recessive and X-Linked Classification Criteria (2023). Collection method: clinical testing. Allele origin: unknown.
Comment: This variant is considered pathogenic. This variant creates a frameshift predicted to result in premature protein truncation.

NM_004360.5(CDH1):c.1040_1041dup (p.Ala348fs)

Gene: CDH1 (cadherin 1; plus strand). Cytogenetic location: 16q22.1.
Variant type: Duplication.
Coding change: c.1040_1041dup on transcript NM_004360.5 (MANE Select); coding-DNA positions 1040 to 1041, 2 bases duplicated (CT; older notation c.1040_1041dupCT).
Protein change: p.Ala348fs; shifts the reading frame from alanine 348.
Molecular consequence: frameshift variant. On other transcripts: 5 prime UTR variant (2).
Genome position (GRCh38, 1-based): chr16:68,812,166-68,812,167, CT duplicated. VCF-style (leftmost placement, unchanged base first): chr16-68812165-G-GCT. GRCh37 (hg19) VCF-style: chr16-68846068-G-GCT.
Other names: c.1040_1041dup, p.Ala348fs (NM_001317184.2); c.-576_-575dup (NM_001317185.2); c.-780_-779dup (NM_001317186.2); short protein forms A348fs.
Identifiers: ClinVar variation 2584199 (VCV002584199.2), dbSNP rs2543924107, ClinGen allele CA2582342571.